The following is an entry in ClinVar:

ClinVar aggregate classification (germline): Uncertain significance (1 of 4 stars; one submission).

Submission:

Labcorp Genetics (formerly Invitae), Labcorp
Classification: Uncertain significance. Last evaluated: 2023-07-14. Review status: criteria provided, single submitter. Criteria: Invitae Variant Classification Sherloc (09022015). Collection method: clinical testing. Allele origin: germline.
Comment: This variant results in a copy number gain of the genomic region encompassing exon(s) 2 of the NDP gene. This region includes the initiator codon of the gene. This copy number gain extends beyond the assayed region for this gene and therefore may encompass additional genes. As the precise location of this event is unknown, it may be in tandem or it may be located elsewhere in the genome. This variant has not been reported in the literature in individuals affected with NDP-related conditions. Experimental studies and prediction algorithms are not available or were not evaluated, and the functional significance of this variant is currently unknown. In summary, the available evidence is currently insufficient to determine the role of this variant in disease. Therefore, it has been classified as a Variant of Uncertain Significance.

NC_000023.10:g.(?_43817698)_(43817891_?)dup

Gene: NDP (norrin cystine knot growth factor NDP; minus strand). Cytogenetic location: Xp11.3.
Variant type: Duplication.
Identifiers: ClinVar variation 1358448 (VCV001358448.4).